The following is an entry in ClinVar:

NM_000234.3(LIG1):c.2330G>A (p.Gly777Asp)

Gene: LIG1 (DNA ligase 1; minus strand). Cytogenetic location: 19q13.33.
Variant type: single nucleotide variant.
Coding change: c.2330G>A on transcript NM_000234.3 (MANE Select); coding-DNA position 2330, G replaced by A.
Protein change: p.Gly777Asp; replaces glycine 777 with aspartic acid.
Molecular consequence: missense variant. On other transcripts: non-coding transcript variant (6).
Genome position (GRCh38, 1-based): chr19:48,121,225, C>T on the plus strand (G>A on the coding strand, the complement: LIG1 is on the minus strand). VCF-style: chr19-48121225-C-T. GRCh37 (hg19) VCF-style: chr19-48624482-C-T.
Other names: c.2237G>A, p.Gly746Asp (NM_001289063.2); c.2126G>A, p.Gly709Asp (NM_001289064.2); c.2327G>A, p.Gly776Asp (NM_001320970.2); c.2240G>A, p.Gly747Asp (NM_001320971.2); short protein forms G709D, G746D, G747D, G776D, G777D.
Identifiers: ClinVar variation 1486062 (VCV001486062.8), dbSNP rs761317989, ClinGen allele CA9546457.

ClinVar aggregate classification (germline): Uncertain significance (1 of 4 stars; one submission).

Allele frequency attached by ClinVar (database versions not stated): TOPMed 0.00001.

Submission:

Labcorp Genetics (formerly Invitae), Labcorp
Classification: Uncertain significance. Last evaluated: 2022-11-29. Review status: criteria provided, single submitter. Criteria: Invitae Variant Classification Sherloc (09022015). Collection method: clinical testing. Allele origin: germline.
Comment: In summary, the available evidence is currently insufficient to determine the role of this variant in disease. Therefore, it has been classified as a Variant of Uncertain Significance. Algorithms developed to predict the effect of missense changes on protein structure and function (SIFT, PolyPhen-2, Align-GVGD) all suggest that this variant is likely to be disruptive. ClinVar contains an entry for this variant (Variation ID: 1486062). This variant has not been reported in the literature in individuals affected with LIG1-related conditions. This variant is not present in population databases (gnomAD no frequency). This sequence change replaces glycine, which is neutral and non-polar, with aspartic acid, which is acidic and polar, at codon 777 of the LIG1 protein (p.Gly777Asp).